The following is an entry in ClinVar:

ClinVar aggregate classification (germline): Uncertain significance (1 of 4 stars; one submission).

Allele frequency attached by ClinVar (database versions not stated): TOPMed 0.00002; ExAC 0.00003; gnomAD 0.00001.
gnomAD v4.1: 47 of 1,613,996 alleles (0.0029%); highest among the groups gnomAD compares: South Asian, 0.018%; no homozygotes.

Submission:

Labcorp Genetics (formerly Invitae), Labcorp
Classification: Uncertain significance. Last evaluated: 2025-05-18. Review status: criteria provided, single submitter. Criteria: Invitae Variant Classification Sherloc (09022015). Collection method: clinical testing. Allele origin: germline.
Comment: This sequence change replaces proline, which is neutral and non-polar, with leucine, which is neutral and non-polar, at codon 457 of the SULF1 protein (p.Pro457Leu). This variant is present in population databases (rs769376901, gnomAD 0.02%). This variant has not been reported in the literature in individuals affected with SULF1-related conditions. ClinVar contains an entry for this variant (Variation ID: 2965702). An algorithm developed to predict the effect of missense changes on protein structure and function (PolyPhen-2) suggests that this variant is likely to be tolerated. In summary, the available evidence is currently insufficient to determine the role of this variant in disease. Therefore, it has been classified as a Variant of Uncertain Significance.

NM_001128205.2(SULF1):c.1370C>T (p.Pro457Leu)

Gene: SULF1 (sulfatase 1; plus strand). Cytogenetic location: 8q13.3.
Variant type: single nucleotide variant.
Coding change: c.1370C>T on transcript NM_001128205.2 (MANE Select); coding-DNA position 1370, C replaced by T.
Protein change: p.Pro457Leu; replaces proline 457 with leucine.
Molecular consequence: missense variant. On other transcripts: 5 prime UTR variant (1), non-coding transcript variant (7).
Genome position (GRCh38, 1-based): chr8:69,604,925, C>T. VCF-style: chr8-69604925-C-T. GRCh37 (hg19) VCF-style: chr8-70517160-C-T.
Other names: c.1370C>T, p.Pro457Leu (NM_001128204.2, NM_001128206.2, NM_001412828.1 and 10 more transcripts); c.1241C>T, p.Pro414Leu (NM_001412832.1, NM_001412838.1, NM_001412839.1 and 1 more transcripts); c.1313C>T, p.Pro438Leu (NM_001412836.1, NM_001412837.1); c.1184C>T, p.Pro395Leu (NM_001412841.1, NM_001412842.1); c.770C>T, p.Pro257Leu (NM_001412844.1, NM_001412845.1); c.-422C>T (NM_001412846.1); short protein forms P457L, P257L, P414L, P438L, P395L.
Identifiers: ClinVar variation 2965702 (VCV002965702.3), dbSNP rs769376901, ClinGen allele CA4775856.